The following is an entry in ClinVar:

NM_001267550.2(TTN):c.91732G>A (p.Val30578Ile)

Genes: TTN (titin; minus strand), TTN-AS1 (TTN antisense RNA 1; plus strand). Cytogenetic location: 2q31.2.
Variant type: single nucleotide variant.
Coding change: c.91732G>A on transcript NM_001267550.2 (MANE Select); coding-DNA position 91732, G replaced by A.
Protein change: p.Val30578Ile; replaces valine 30578 with isoleucine.
Molecular consequence: missense variant.
Genome position (GRCh38, 1-based): chr2:178,550,106, C>T on the plus strand (G>A on the coding strand, the complement: TTN is on the minus strand). VCF-style: chr2-178550106-C-T. GRCh37 (hg19) VCF-style: chr2-179414833-C-T.
Other names: p.V28937I:GTA>ATA; c.64537G>A, p.Val21513Ile (NM_003319.4); c.64912G>A, p.Val21638Ile (NM_133432.3); c.65113G>A, p.Val21705Ile (NM_133437.4); c.86809G>A, p.Val28937Ile (NM_001256850.1); c.84028G>A, p.Val28010Ile (NM_133378.4); short protein forms V28010I, V30578I, V28937I, V21513I, V21638I, V21705I.
Identifiers: ClinVar variation 179154 (VCV000179154.62), dbSNP rs727504672, ClinGen allele CA183824.

ClinVar aggregate classification (germline): Conflicting classifications of pathogenicity. Review status: criteria provided, conflicting classifications (1 of 4 stars). 15 submissions from 11 submitters: Uncertain significance (9); Benign (1); Likely benign (5). Last evaluated 2026-07-01.

Conditions:
Cardiovascular phenotype. Identifiers: MedGen CN230736.
TTN-related disorder. Also called: TTN-related disorders; TTN-related condition; TTN-related disease.
Cardiomyopathy (CMYO). Also called: Cardiomyopathies. Identifiers: Orphanet 167848, MedGen C0878544, MONDO:0004994, HP:0001638. Inheritance: Various modes of inheritance.
Early-onset myopathy with fatal cardiomyopathy (CMYO5). Also called: Salih Myopathy; CONGENITAL MYOPATHY 5 WITH CARDIOMYOPATHY. Identifiers: Orphanet 289377, MedGen C2673677, MONDO:0012714, OMIM 611705. Disease mechanism: loss of function.
Dilated cardiomyopathy 1G (CMD1G). Identifiers: Orphanet 154, MedGen C1858763, MONDO:0011400, OMIM 604145.
Myopathy, myofibrillar, 9, with early respiratory failure (MFM9). Also called: Myopathy, distal, with early respiratory failure, autosomal dominant; EDSTROM MYOPATHY; MYOPATHY, PROXIMAL, WITH EARLY RESPIRATORY MUSCLE INVOLVEMENT; Hereditary myopathy with early respiratory failure. Identifiers: Orphanet 178464, Orphanet 34521, MedGen C1863599, MONDO:0011362, OMIM 603689.
Autosomal recessive limb-girdle muscular dystrophy type 2J (LGMDR10). Also called: Limb-girdle muscular dystrophy, type 2J; MUSCULAR DYSTROPHY, LIMB-GIRDLE, AUTOSOMAL RECESSIVE 10. Identifiers: Orphanet 140922, MedGen C1837342, MONDO:0012127, OMIM 608807.
Tibial muscular dystrophy (TMD). Also called: Udd Distal Myopathy – Tibial Muscular Dystrophy; UDD MYOPATHY; Tibial muscular dystrophy, tardive. Identifiers: Orphanet 609, MedGen C1838244, MONDO:0010870, OMIM 600334.

Allele frequency attached by ClinVar (database versions not stated): ExAC 0.00007; gnomAD exomes 0.00008 and 0.00009; TOPMed 0.00009; gnomAD 0.00010 and 0.00011.
gnomAD v4.1: 153 of 1,613,822 alleles (0.0095%); highest among the groups gnomAD compares: Middle Eastern, 0.083%; no homozygotes.

Submissions (15):

CeGaT Center for Human Genetics Tuebingen
Classification: Uncertain significance. Last evaluated: 2026-07-01. Review status: criteria provided, single submitter. Criteria: CeGaT Center For Human Genetics Tuebingen Variant Classification Criteria Version 2. Collection method: clinical testing. Allele origin: germline. Affected: yes. Observed: 5 variant alleles.
Comment: TTN: PM2, BP4

PreventionGenetics, part of Exact Sciences
Classification: Uncertain significance for TTN-related condition. Last evaluated: 2025-09-05. Review status: criteria provided, single submitter. Criteria: ACMG Guidelines, 2015. Collection method: clinical testing. Allele origin: germline.
Comment: The TTN c.91732G>A variant is predicted to result in the amino acid substitution p.Val30578Ile. To our knowledge, this variant has not been reported in association with disorder in the literature. This variant is reported in 0.019% of alleles in individuals of European (Non-Finnish) descent in gnomAD. Although we suspect that this variant may be benign, at this time, the clinical significance of this variant is uncertain due to the absence of conclusive functional and genetic evidence.

Molecular Diagnostic Laboratory for Inherited Cardiovascular Disease, Montreal Heart Institute
Classification: Likely benign. Last evaluated: 2025-04-09. Review status: criteria provided, single submitter. Criteria: ACMG Guidelines, 2015. Collection method: clinical testing. Allele origin: germline. Affected: no.
Comment: BP1

Blueprint Genetics
Classification: Likely benign. Last evaluated: 2024-11-14. Review status: criteria provided, single submitter. Criteria: ACMG Guidelines, 2015. Collection method: clinical testing. Allele origin: germline.

Revvity Omics, Revvity
Classification: Uncertain significance. Last evaluated: 2024-10-15. Review status: criteria provided, single submitter. Criteria: ACMG Guidelines, 2015. Collection method: clinical testing. Allele origin: germline.

GeneDx
Classification: Likely benign. Last evaluated: 2021-04-01. Review status: criteria provided, single submitter. Criteria: GeneDx Variant Classification Process June 2021. Collection method: clinical testing. Allele origin: germline. Affected: yes.

Ambry Genetics
Classification: Likely benign for Cardiovascular phenotype. Last evaluated: 2020-09-02. Review status: criteria provided, single submitter. Criteria: Ambry Variant Classification Scheme 2023. Collection method: clinical testing. Allele origin: germline.

Illumina Laboratory Services, Illumina
Classification: Uncertain significance for Autosomal recessive limb-girdle muscular dystrophy type 2J. Last evaluated: 2018-01-12. Review status: criteria provided, single submitter. Criteria: ICSL Variant Classification Criteria 13 December 2019. Collection method: clinical testing. Allele origin: germline.

Illumina Laboratory Services, Illumina
Classification: Uncertain significance for Dilated cardiomyopathy 1G. Last evaluated: 2018-01-12. Review status: criteria provided, single submitter. Criteria: ICSL Variant Classification Criteria 13 December 2019. Collection method: clinical testing. Allele origin: germline.

Illumina Laboratory Services, Illumina
Classification: Benign for Tibial muscular dystrophy. Last evaluated: 2018-01-12. Review status: criteria provided, single submitter. Criteria: ICSL Variant Classification Criteria 13 December 2019. Collection method: clinical testing. Allele origin: germline.
Comment: This variant was observed in the ICSL laboratory as part of a predisposition screen in an ostensibly healthy population. It had not been previously curated by ICSL or reported in the Human Gene Mutation Database (HGMD: prior to June 1st, 2018), and was therefore a candidate for classification through an automated scoring system. Utilizing variant allele frequency, disease prevalence and penetrance estimates, and inheritance mode, an automated score was calculated to assess if this variant is too frequent to cause the disease. Based on the score and internal cut-off values, a variant classified as benign is not then subjected to further curation. The score for this variant resulted in a classification of benign for this disease.

Illumina Laboratory Services, Illumina
Classification: Likely benign for Myopathy, myofibrillar, 9, with early respiratory failure. Last evaluated: 2018-01-12. Review status: criteria provided, single submitter. Criteria: ICSL Variant Classification Criteria 13 December 2019. Collection method: clinical testing. Allele origin: germline.
Comment: This variant was observed in the ICSL laboratory as part of a predisposition screen in an ostensibly healthy population. It had not been previously curated by ICSL or reported in the Human Gene Mutation Database (HGMD: prior to June 1st, 2018), and was therefore a candidate for classification through an automated scoring system. Utilizing variant allele frequency, disease prevalence and penetrance estimates, and inheritance mode, an automated score was calculated to assess if this variant is too frequent to cause the disease. Based on the score and internal cut-off values, a variant classified as likely benign is not then subjected to further curation. The score for this variant resulted in a classification of likely benign for this disease.

Illumina Laboratory Services, Illumina
Classification: Uncertain significance for Early-onset myopathy with fatal cardiomyopathy. Last evaluated: 2018-01-12. Review status: criteria provided, single submitter. Criteria: ICSL Variant Classification Criteria 13 December 2019. Collection method: clinical testing. Allele origin: germline.

CHEO Genetics Diagnostic Laboratory, Children's Hospital of Eastern Ontario
Classification: Uncertain significance for Cardiomyopathy. Last evaluated: 2015-11-18. Review status: criteria provided, single submitter. Criteria: ACMG Guidelines, 2015. Collection method: clinical testing. Allele origin: germline. Study: Canadian Open Genetics Repository.

Laboratory for Molecular Medicine, Mass General Brigham Personalized Medicine
Classification: Uncertain significance. Last evaluated: 2014-04-10. Review status: criteria provided, single submitter. Criteria: LMM Criteria. Collection method: clinical testing. Allele origin: germline. Observed: 1 variant allele.
Comment: The Val28010Ile variant in TTN has not been reported in individuals with cardiom yopathy or in large population studies. The affected amino acid is not well cons erved in evolution, suggesting that the change may be tolerated. Computational p rediction tools and conservation analysis do not provide strong support for or a gainst an impact to the protein. Additional information is needed to fully asses s the clinical significance of the Val28010Ile variant.

Biesecker Lab/Clinical Genomics Section, National Institutes of Health
Classification: Uncertain significance. Last evaluated: 2013-06-24. Review status: criteria provided, single submitter. Criteria: Ng et al. (Circ Cardiovasc Genet. 2013). Collection method: research. Allele origin: unknown. Observed: 1 variant allele. Study: ClinSeq.
Comment: The study set was not selected for affection status in relation to any cancer. Pathogenicity categories were based on literature curation. See Pubmed ID:23861362 for details.

Medical sequencing